The following is an entry in ClinVar:

NM_007294.4(BRCA1):c.4675+105G>A

Gene: BRCA1 (BRCA1 DNA repair associated; minus strand). Cytogenetic location: 17q21.31.
Variant type: single nucleotide variant.
Coding change: c.4675+105G>A on transcript NM_007294.4 (MANE Select); 105 bases into the intron after coding-DNA position 4675, G replaced by A.
Molecular consequence: intron variant.
Genome position (GRCh38, 1-based): chr17:43,074,226, C>T on the plus strand (G>A on the coding strand, the complement: BRCA1 is on the minus strand). VCF-style: chr17-43074226-C-T. GRCh37 (hg19) VCF-style: chr17-41226243-C-T.
Other names: IVS 15+105G>A; c.4549+105G>A (NM_001407940.1, NM_001407671.1, NM_001407676.1 and 11 more transcripts); c.4615+105G>A (NM_001407649.1); c.1360+105G>A (NM_001408401.1, NM_001408396.1, NM_001408404.1 and 8 more transcripts); c.1363+105G>A (NM_001407985.1, NM_001408472.1, NM_001407990.1 and 12 more transcripts); c.4666+105G>A (NM_001407644.1, NM_001407645.1); c.4669+105G>A (NM_001407627.1, NM_001407861.1, NM_001407635.1 and 14 more transcripts); c.4672+105G>A (NM_001407614.1, NM_001407626.1, NM_001407617.1 and 17 more transcripts); and 72 more.
Identifiers: ClinVar variation 209373 (VCV000209373.6), dbSNP rs8176213, ClinGen allele CA276345.

ClinVar aggregate classification (germline): Benign. Review status: reviewed by expert panel (3 of 4 stars). 3 submissions from 3 submitters: Benign (1). 2 of the submissions do not count toward it. Last evaluated 2015-01-12.

Conditions:
Breast-ovarian cancer, familial, susceptibility to, 1 (BROVCA1). Also called: BRCA1 Hereditary Breast and Ovarian Cancer; OVARIAN CANCER, SUSCEPTIBILITY TO. Identifiers: Orphanet 145, MedGen C2676676, MONDO:0011450, OMIM 604370. Disease mechanism: loss of function.

Allele frequency attached by ClinVar (database versions not stated): 1000 Genomes Project 0.00359; gnomAD 0.00364 and 0.00342; 1000 Genomes Project 30x 0.00375; TOPMed 0.00417.
gnomAD v4.1: 870 of 1,148,118 alleles (0.076%); highest among the groups gnomAD compares: African/African-American, 1.1%; 8 homozygotes.

Submissions (3):

Evidence-based Network for the Interpretation of Germline Mutant Alleles (ENIGMA)
Classification: Benign for Breast-ovarian cancer, familial 1. Last evaluated: 2015-01-12. Review status: reviewed by expert panel. Criteria: ENIGMA BRCA1/2 Classification Criteria (2015). Collection method: curation. Allele origin: germline.
Comment: Class 1 not pathogenic based on frequency >1% in an outbred sampleset. Frequency 0.02033 (African), derived from 1000 genomes (2012-04-30).

GeneDx
Classification: Likely benign. Last evaluated: 2018-06-30. Review status: criteria provided, single submitter. Criteria: GeneDx Variant Classification Process June 2021. Collection method: clinical testing. Allele origin: germline. Affected: yes. Not counted in ClinVar's aggregate classification.

Breakthrough Genomics
Classification: Benign. Review status: criteria provided, single submitter. Criteria: ACMG Guidelines, 2015. Collection method: not provided. Allele origin: germline. Inheritance: Autosomal recessive inheritance. Affected: yes. Not counted in ClinVar's aggregate classification.